The following is an entry in ClinVar:

ClinVar aggregate classification (germline): Uncertain significance. Review status: criteria provided, multiple submitters, no conflicts (2 of 4 stars). 2 submissions from 2 submitters: Uncertain significance (2). Last evaluated 2022-06-30.

Conditions:
Inborn genetic diseases. Identifiers: MedGen C0950123, MeSH D030342.
Retinitis pigmentosa 59 (RP59). Identifiers: Orphanet 791, MedGen C3151227, MONDO:0013468, OMIM 613861.

Allele frequency attached by ClinVar (database versions not stated): gnomAD exomes below 0.00001.

Submissions (2):

Labcorp Genetics (formerly Invitae), Labcorp
Classification: Uncertain significance for Retinitis pigmentosa 59. Last evaluated: 2022-06-30. Review status: criteria provided, single submitter. Criteria: Invitae Variant Classification Sherloc (09022015). Collection method: clinical testing. Allele origin: germline.
Comment: This sequence change falls in intron 6 of the DHDDS gene. It does not directly change the encoded amino acid sequence of the DHDDS protein. It affects a nucleotide within the consensus splice site. This variant is present in population databases (no rsID available, gnomAD 0.003%). This variant has not been reported in the literature in individuals affected with DHDDS-related conditions. Variants that disrupt the consensus splice site are a relatively common cause of aberrant splicing (PMID: 17576681, 9536098). Algorithms developed to predict the effect of sequence changes on RNA splicing suggest that this variant is not likely to affect RNA splicing. In summary, the available evidence is currently insufficient to determine the role of this variant in disease. Therefore, it has been classified as a Variant of Uncertain Significance.

Ambry Genetics
Classification: Uncertain significance for Inborn genetic diseases. Last evaluated: 2022-03-31. Review status: criteria provided, single submitter. Criteria: Ambry Variant Classification Scheme 2023. Collection method: clinical testing. Allele origin: germline.
Comment: The c.542+6C>A intronic alteration consists of a C to A substitution 6 nucleotides after exon 6 (coding exon 5) of the DHDDS gene. Based on insufficient or conflicting evidence, the clinical significance of this alteration remains unclear.

Literature cited by the submitters: PubMed 17576681 (cited by Labcorp Genetics (formerly Invitae), Labcorp); PubMed 9536098 (cited by Labcorp Genetics (formerly Invitae), Labcorp).

NM_205861.3(DHDDS):c.542+6C>A

Gene: DHDDS (dehydrodolichyl diphosphate synthase subunit; plus strand). Cytogenetic location: 1p36.11.
Variant type: single nucleotide variant.
Coding change: c.542+6C>A on transcript NM_205861.3 (MANE Select); 6 bases into the intron after coding-DNA position 542, C replaced by A.
Molecular consequence: intron variant.
Genome position (GRCh38, 1-based): chr1:26,447,666, C>A. VCF-style: chr1-26447666-C-A. GRCh37 (hg19) VCF-style: chr1-26774157-C-A.
Other names: c.263+6C>A (NM_001319959.2); c.542+6C>A (NM_024887.4, NM_024887.3); c.440+1234C>A (NM_001243564.2); c.425+6C>A (NM_001243565.2).
Identifiers: ClinVar variation 2145624 (VCV002145624.2), dbSNP rs1286935101, ClinGen allele CA339143528.